The following is an entry in ClinVar:

ClinVar aggregate classification (germline): Pathogenic (1 of 4 stars; one submission).

Submission:

Labcorp Genetics (formerly Invitae), Labcorp
Classification: Pathogenic. Last evaluated: 2024-06-19. Review status: criteria provided, single submitter. Criteria: Invitae Variant Classification Sherloc (09022015). Collection method: clinical testing. Allele origin: germline.
Comment: This sequence change creates a premature translational stop signal (p.Thr219Asnfs*31) in the NANS gene. It is expected to result in an absent or disrupted protein product. Loss-of-function variants in NANS are known to be pathogenic (PMID: 27213289). This variant is not present in population databases (gnomAD no frequency). This variant has not been reported in the literature in individuals affected with NANS-related conditions. For these reasons, this variant has been classified as Pathogenic.

Literature cited by the submitters: PubMed 27213289.

NM_018946.4(NANS):c.655dup (p.Thr219fs)

Genes: NANS (N-acetylneuraminate synthase; plus strand), TRIM14 (tripartite motif containing 14; minus strand). Cytogenetic location: 9q22.33.
Variant type: Duplication.
Coding change: c.655dup on transcript NM_018946.4 (MANE Select); coding-DNA position 655, one base duplicated (A; older notation c.655dupA).
Protein change: p.Thr219fs; shifts the reading frame from threonine 219.
Molecular consequence: frameshift variant.
Genome position (GRCh38, 1-based): chr9:98,080,867, A duplicated; the last of 3 consecutive A bases (chr9:98,080,865-98,080,867); duplicating any one gives the same sequence. VCF-style (leftmost placement, unchanged base first): chr9-98080864-G-GA. GRCh37 (hg19) VCF-style: chr9-100843146-G-GA.
Other names: short protein forms T219fs.
Identifiers: ClinVar variation 3683755 (VCV003683755.2).
Genomic context (GRCh38, chr9:98,080,864, plus strand): 5'-TCCATTTTAAAGGAATATCAGAAGCTCTTTCCTGACATTCCCATAGGGTATTCTGGGCAT[G>GA]AAACAGGCATAGCGATATCTGTGGCCGCAGTGGCTCTGGGGGCCAAGGTGTTGGAACGTC-3'